The following is an entry in ClinVar:

ClinVar aggregate classification (germline): Uncertain significance (1 of 4 stars; one submission).

Submission:

Labcorp Genetics (formerly Invitae), Labcorp
Classification: Uncertain significance. Last evaluated: 2024-10-14. Review status: criteria provided, single submitter. Criteria: Invitae Variant Classification Sherloc (09022015). Collection method: clinical testing. Allele origin: germline.
Comment: This sequence change replaces proline, which is neutral and non-polar, with threonine, which is neutral and polar, at codon 125 of the NEDD4L protein (p.Pro125Thr). This variant is not present in population databases (gnomAD no frequency). This variant has not been reported in the literature in individuals affected with NEDD4L-related conditions. ClinVar contains an entry for this variant (Variation ID: 1506085). Invitae Evidence Modeling of protein sequence and biophysical properties (such as structural, functional, and spatial information, amino acid conservation, physicochemical variation, residue mobility, and thermodynamic stability) indicates that this missense variant is not expected to disrupt NEDD4L protein function with a negative predictive value of 80%. In summary, the available evidence is currently insufficient to determine the role of this variant in disease. Therefore, it has been classified as a Variant of Uncertain Significance.

NM_001144967.3(NEDD4L):c.373C>A (p.Pro125Thr)

Gene: NEDD4L (NEDD4 like E3 ubiquitin protein ligase; plus strand). Cytogenetic location: 18q21.31.
Variant type: single nucleotide variant.
Coding change: c.373C>A on transcript NM_001144967.3 (MANE Select); coding-DNA position 373, C replaced by A.
Protein change: p.Pro125Thr; replaces proline 125 with threonine.
Molecular consequence: missense variant.
Genome position (GRCh38, 1-based): chr18:58,322,449, C>A. VCF-style: chr18-58322449-C-A. GRCh37 (hg19) VCF-style: chr18-55989681-C-A.
Other names: c.10C>A, p.Pro4Thr (NM_001144964.1, NM_001144965.2, NM_001144966.3 and 2 more transcripts); c.349C>A, p.Pro117Thr (NM_001144968.2, NM_001144969.2); c.373C>A, p.Pro125Thr (NM_001243960.2, NM_015277.6); short protein forms P125T, P4T, P117T.
Identifiers: ClinVar variation 1506085 (VCV001506085.8), dbSNP rs2149481585, ClinGen allele CA402551239.